The following is an entry in ClinVar:

NM_004153.4(ORC1):c.1313C>A (p.Thr438Asn)

Gene: ORC1 (origin recognition complex subunit 1; minus strand). Cytogenetic location: 1p32.3.
Variant type: single nucleotide variant.
Coding change: c.1313C>A on transcript NM_004153.4 (MANE Select); coding-DNA position 1313, C replaced by A.
Protein change: p.Thr438Asn; replaces threonine 438 with asparagine.
Molecular consequence: missense variant.
Genome position (GRCh38, 1-based): chr1:52,388,512, G>T on the plus strand (C>A on the coding strand, the complement: ORC1 is on the minus strand). VCF-style: chr1-52388512-G-T. GRCh37 (hg19) VCF-style: chr1-52854184-G-T.
Other names: c.1313C>A, p.Thr438Asn (NM_001190818.2, NM_001190819.2); short protein forms T438N.
Identifiers: ClinVar variation 1932620 (VCV001932620.5), dbSNP rs181982557, ClinGen allele CA853373.

ClinVar aggregate classification (germline): Uncertain significance (1 of 4 stars; one submission).

Allele frequency attached by ClinVar (database versions not stated): gnomAD exomes below 0.00001; TOPMed below 0.00001; ExAC 0.00001; gnomAD 0.00001; 1000 Genomes Project 0.00020; 1000 Genomes Project 30x 0.00031.
gnomAD v4.1: 3 of 1,614,180 alleles (0.00019%); highest among the groups gnomAD compares: Admixed American, 0.0033%; no homozygotes.

Submission:

Labcorp Genetics (formerly Invitae), Labcorp
Classification: Uncertain significance. Last evaluated: 2022-02-10. Review status: criteria provided, single submitter. Criteria: Invitae Variant Classification Sherloc (09022015). Collection method: clinical testing. Allele origin: germline.
Comment: In summary, the available evidence is currently insufficient to determine the role of this variant in disease. Therefore, it has been classified as a Variant of Uncertain Significance. Algorithms developed to predict the effect of missense changes on protein structure and function (SIFT, PolyPhen-2, Align-GVGD) all suggest that this variant is likely to be tolerated. This variant has not been reported in the literature in individuals affected with ORC1-related conditions. This variant is present in population databases (rs181982557, gnomAD 0.003%). This sequence change replaces threonine, which is neutral and polar, with asparagine, which is neutral and polar, at codon 438 of the ORC1 protein (p.Thr438Asn).